The following is an entry in ClinVar:

NM_018979.4(WNK1):c.3468C>G (p.Pro1156=)

Gene: WNK1 (WNK lysine deficient protein kinase 1; plus strand). Cytogenetic location: 12p13.33.
Variant type: single nucleotide variant.
Coding change: c.3468C>G on transcript NM_018979.4 (MANE Select); coding-DNA position 3468, C replaced by G.
Protein change: p.Pro1156=; no amino-acid change (proline 1156 retained).
Molecular consequence: synonymous variant.
Genome position (GRCh38, 1-based): chr12:883,038, C>G. VCF-style: chr12-883038-C-G. GRCh37 (hg19) VCF-style: chr12-992204-C-G.
Other names: c.4248C>G, p.Pro1416= (NM_001184985.2); c.2727C>G, p.Pro909= (NM_014823.3); c.4224C>G, p.Pro1408= (NM_213655.5).
Identifiers: ClinVar variation 880717 (VCV000880717.9), dbSNP rs753078534, ClinGen allele CA6382765.

ClinVar aggregate classification (germline): Conflicting classifications of pathogenicity. Review status: criteria provided, conflicting classifications (1 of 4 stars). 3 submissions from 3 submitters: Uncertain significance (1); Likely benign (2). Last evaluated 2025-12-18.

Conditions:
WNK1-related disorder. Also called: WNK1-related condition.
Neuropathy, hereditary sensory and autonomic, type 2A (HSAN2A). Also called: ACROOSTEOLYSIS, GIACCAI TYPE; ACROOSTEOLYSIS, NEUROGENIC; HSAN IIA; MORVAN DISEASE; NEUROPATHY, CONGENITAL SENSORY; NEUROPATHY, HEREDITARY SENSORY RADICULAR, AUTOSOMAL RECESSIVE. Identifiers: Orphanet 970, MedGen C2752089, MONDO:0024309, OMIM 201300.
Pseudohypoaldosteronism type 2C (PHA2C). Also called: Pseudohypoaldosteronism Type IIC. Identifiers: Orphanet 757, Orphanet 88940, MedGen C1840391, MONDO:0013778, OMIM 614492.

gnomAD v4.1: 9 of 1,611,846 alleles (0.00056%); highest among the groups gnomAD compares: African/African-American, 0.004%; no homozygotes.

Submissions (3):

PreventionGenetics, part of Exact Sciences
Classification: Likely benign for WNK1-related condition. Last evaluated: 2025-12-18. Review status: criteria provided, single submitter. Criteria: ACMG Guidelines, 2015. Collection method: clinical testing. Allele origin: germline.
Comment: This variant is classified as likely benign based on ACMG/AMP sequence variant interpretation guidelines (Richards et al. 2015 PMID: 25741868, with internal and published modifications).

Labcorp Genetics (formerly Invitae), Labcorp
Classification: Likely benign for Neuropathy, hereditary sensory and autonomic, type 2A; Pseudohypoaldosteronism type 2C. Last evaluated: 2022-04-07. Review status: criteria provided, single submitter. Criteria: Invitae Variant Classification Sherloc (09022015). Collection method: clinical testing. Allele origin: germline.

Illumina Laboratory Services, Illumina
Classification: Uncertain significance for Pseudohypoaldosteronism type 2C. Last evaluated: 2018-01-13. Review status: criteria provided, single submitter. Criteria: ICSL Variant Classification Criteria 13 December 2019. Collection method: clinical testing. Allele origin: germline.